The following is an entry in ClinVar:

ClinVar aggregate classification (germline): Likely pathogenic (1 of 4 stars; one submission).

Conditions:
Duchenne muscular dystrophy (DMD). Also called: MUSCULAR DYSTROPHY, PSEUDOHYPERTROPHIC PROGRESSIVE, DUCHENNE TYPE; Duchenne Muscular Dystrophy (DMD). Identifiers: Orphanet 98896, MedGen C0013264, MONDO:0010679, OMIM 310200.

Submission:

MGZ Medical Genetics Center
Classification: Likely pathogenic for Duchenne muscular dystrophy. Last evaluated: 2022-03-28. Review status: criteria provided, single submitter. Criteria: ACMG Guidelines, 2015. Collection method: clinical testing. Allele origin: germline. Affected: yes. Observed: 1 variant allele.
Comment: ACMG criteria applied: PVS1, PM2_SUP

NM_004006.3(DMD):c.5662del (p.Asp1888fs)

Gene: DMD (dystrophin; minus strand). Cytogenetic location: Xp21.1.
Variant type: Deletion.
Coding change: c.5662del on transcript NM_004006.3 (MANE Select); coding-DNA position 5662, one base deleted (G; older notation c.5662delG).
Protein change: p.Asp1888fs; shifts the reading frame from aspartic acid 1888.
Molecular consequence: frameshift variant.
Genome position (GRCh38, 1-based): chrX:32,343,211, C deleted on the plus strand (G on the coding strand, the reverse complement: DMD is on the minus strand). VCF-style (leftmost placement, unchanged base first): chrX-32343210-TC-T. GRCh37 (hg19) VCF-style: chrX-32361327-TC-T.
Other names: c.5638del, p.Asp1880fs (NM_000109.4); c.5650del, p.Asp1884fs (NM_004009.3); c.5293del, p.Asp1765fs (NM_004010.3); c.1639del, p.Asp547fs (NM_004011.4); c.1630del, p.Asp544fs (NM_004012.4); short protein forms D1765fs, D1880fs, D1884fs, D1888fs, D544fs, D547fs.
Identifiers: ClinVar variation 1709323 (VCV001709323.2), dbSNP rs2521864082, ClinGen allele CA2580100655.